The following is an entry in ClinVar:

ClinVar aggregate classification (germline): Uncertain significance. Review status: criteria provided, multiple submitters, no conflicts (2 of 4 stars). 2 submissions from 2 submitters: Uncertain significance (2). Last evaluated 2024-08-01.

Conditions:
POLD1-related polyposis and colorectal cancer syndrome (CRCS10). Also called: Colorectal cancer 10; COLORECTAL CANCER, SUSCEPTIBILITY TO, ON CHROMOSOME 19q; Colorectal cancer, susceptibility to, 10. Identifiers: Orphanet 220460, MedGen C2675481, MONDO:0012953, OMIM 612591.

Submissions (2):

GeneDx
Classification: Uncertain significance. Last evaluated: 2024-08-01. Review status: criteria provided, single submitter. Criteria: GeneDx Variant Classification Process June 2021. Collection method: clinical testing. Allele origin: germline. Affected: yes.
Comment: Not observed at significant frequency in large population cohorts (gnomAD); Has not been previously published as pathogenic or benign to our knowledge; Frameshift variant predicted to result in protein truncation or nonsense mediated decay in a gene for which loss-of-function is not an established mechanism of disease

Labcorp Genetics (formerly Invitae), Labcorp
Classification: Uncertain significance for POLD1-related polyposis and colorectal cancer syndrome. Last evaluated: 2023-01-14. Review status: criteria provided, single submitter. Criteria: Invitae Variant Classification Sherloc (09022015). Collection method: clinical testing. Allele origin: germline.
Comment: In summary, the available evidence is currently insufficient to determine the role of this variant in disease. Therefore, it has been classified as a Variant of Uncertain Significance. This variant has not been reported in the literature in individuals affected with POLD1-related conditions. This variant is not present in population databases (gnomAD no frequency). This sequence change creates a premature translational stop signal (p.Arg311Alafs*18) in the POLD1 gene. Missense variants that disrupt the 3'-5' exonuclease (proof-reading) activity of the POLD1 protein are associated with PPAP (polymerase proofreading–associated polyposis) (PMID: 23263490, 23447401). However, loss-of-function variants that result in an absent or severely disrupted POLD1 protein, and missense variants outside the exonuclease domain, are unlikely to be associated with PPAP.

Literature cited by the submitters: PubMed 23263490 (cited by Labcorp Genetics (formerly Invitae), Labcorp); PubMed 23447401 (cited by Labcorp Genetics (formerly Invitae), Labcorp).

NM_002691.4(POLD1):c.930dup (p.Arg311fs)

Gene: POLD1 (DNA polymerase delta 1, catalytic subunit; plus strand). Cytogenetic location: 19q13.33.
Variant type: Duplication.
Coding change: c.930dup on transcript NM_002691.4 (MANE Select); coding-DNA position 930, one base duplicated (G; older notation c.930dupG).
Protein change: p.Arg311fs; shifts the reading frame from arginine 311.
Molecular consequence: frameshift variant. On other transcripts: non-coding transcript variant (1).
Genome position (GRCh38, 1-based): chr19:50,402,701, G duplicated. VCF-style (leftmost placement, unchanged base first): chr19-50402700-T-TG. GRCh37 (hg19) VCF-style: chr19-50905957-T-TG.
Other names: c.930dup, p.Arg311fs (NM_001256849.1, NM_001308632.1); c.930dup (NM_002691.3); short protein forms R311fs.
Identifiers: ClinVar variation 2828565 (VCV002828565.4), dbSNP rs2513969709, ClinGen allele CA2739276944.
Genomic context (GRCh38, chr19:50,402,700, plus strand): 5'-TGCTGTGGTCTGACGTGGTCAGTCACCCACCGGAAGGGCCATGGCAGCGCATTGCGCCCT[T>TG]GCGCGTGCTCAGCTTCGATATCGAGTGCGCCGGCCGCAAAGGTCTGTCCCCGGGCCCGGG-3'